The following is an entry in ClinVar:

NM_004006.3(DMD):c.4046C>T (p.Ser1349Phe)

Gene: DMD (dystrophin; minus strand). Cytogenetic location: Xp21.1.
Variant type: single nucleotide variant.
Coding change: c.4046C>T on transcript NM_004006.3 (MANE Select); coding-DNA position 4046, C replaced by T.
Protein change: p.Ser1349Phe; replaces serine 1349 with phenylalanine.
Molecular consequence: missense variant.
Genome position (GRCh38, 1-based): chrX:32,438,266, G>A on the plus strand (C>T on the coding strand, the complement: DMD is on the minus strand). VCF-style: chrX-32438266-G-A. GRCh37 (hg19) VCF-style: chrX-32456383-G-A.
Other names: c.4022C>T, p.Ser1341Phe (NM_000109.4); c.4034C>T, p.Ser1345Phe (NM_004009.3); c.3677C>T, p.Ser1226Phe (NM_004010.3); short protein forms S1345F, S1226F, S1341F, S1349F.
Identifiers: ClinVar variation 2052849 (VCV002052849.2), dbSNP rs763514033, ClinGen allele CA412669251.

ClinVar aggregate classification (germline): Uncertain significance (1 of 4 stars; one submission).

Conditions:
Duchenne muscular dystrophy (DMD). Also called: MUSCULAR DYSTROPHY, PSEUDOHYPERTROPHIC PROGRESSIVE, DUCHENNE TYPE; Duchenne Muscular Dystrophy (DMD). Identifiers: Orphanet 98896, MedGen C0013264, MONDO:0010679, OMIM 310200.

gnomAD v4.1: 3 of 1,211,176 alleles (0.00025%); highest among the groups gnomAD compares: Admixed American, 0.0022%; no homozygotes.

Submission:

Labcorp Genetics (formerly Invitae), Labcorp
Classification: Uncertain significance for Duchenne muscular dystrophy. Last evaluated: 2025-11-09. Review status: criteria provided, single submitter. Criteria: Invitae Variant Classification Sherloc (09022015). Collection method: clinical testing. Allele origin: germline.
Comment: This sequence change replaces serine, which is neutral and polar, with phenylalanine, which is neutral and non-polar, at codon 1349 of the DMD protein (p.Ser1349Phe). This variant is present in population databases (no rsID available, gnomAD 0.004%). This variant has not been reported in the literature in individuals affected with DMD-related conditions. ClinVar contains an entry for this variant (Variation ID: 2052849). Invitae Evidence Modeling of protein sequence and biophysical properties (such as structural, functional, and spatial information, amino acid conservation, physicochemical variation, residue mobility, and thermodynamic stability) indicates that this missense variant is not expected to disrupt DMD protein function with a negative predictive value of 95%. In summary, the available evidence is currently insufficient to determine the role of this variant in disease. Therefore, it has been classified as a Variant of Uncertain Significance.